The following is an entry in ClinVar:

ClinVar aggregate classification (germline): Uncertain significance (1 of 4 stars; one submission).

Allele frequency attached by ClinVar (database versions not stated): gnomAD exomes below 0.00001.
gnomAD v4.1: 1 of 1,613,962 alleles (0.000062%); highest among the groups gnomAD compares: Non-Finnish European, 0.000085%; no homozygotes.

Submission:

Labcorp Genetics (formerly Invitae), Labcorp
Classification: Uncertain significance. Last evaluated: 2022-04-26. Review status: criteria provided, single submitter. Criteria: Invitae Variant Classification Sherloc (09022015). Collection method: clinical testing. Allele origin: germline.
Comment: In summary, the available evidence is currently insufficient to determine the role of this variant in disease. Therefore, it has been classified as a Variant of Uncertain Significance. Algorithms developed to predict the effect of missense changes on protein structure and function are either unavailable or do not agree on the potential impact of this missense change (SIFT: "Deleterious"; PolyPhen-2: "Probably Damaging"; Align-GVGD: "Class C15"). This variant has not been reported in the literature in individuals affected with POLE-related conditions. This variant is not present in population databases (gnomAD no frequency). This sequence change replaces phenylalanine, which is neutral and non-polar, with isoleucine, which is neutral and non-polar, at codon 560 of the POLE protein (p.Phe560Ile).

NM_006231.4(POLE):c.1678T>A (p.Phe560Ile)

Gene: POLE (DNA polymerase epsilon, catalytic subunit; minus strand). Cytogenetic location: 12q24.33.
Variant type: single nucleotide variant.
Coding change: c.1678T>A on transcript NM_006231.4 (MANE Select); coding-DNA position 1678, T replaced by A.
Protein change: p.Phe560Ile; replaces phenylalanine 560 with isoleucine.
Molecular consequence: missense variant.
Genome position (GRCh38, 1-based): chr12:132,672,635, A>T on the plus strand (T>A on the coding strand, the complement: POLE is on the minus strand). VCF-style: chr12-132672635-A-T. GRCh37 (hg19) VCF-style: chr12-133249221-A-T.
Other names: short protein forms F560I.
Identifiers: ClinVar variation 2130814 (VCV002130814.4), dbSNP rs2542133527, ClinGen allele CA387356461.